The following is an entry in ClinVar:

ClinVar aggregate classification (germline): Uncertain significance. Review status: criteria provided, multiple submitters, no conflicts (2 of 4 stars). 2 submissions from 2 submitters: Uncertain significance (2). Last evaluated 2023-02-02.

Submissions (2):

Labcorp Genetics (formerly Invitae), Labcorp
Classification: Uncertain significance. Last evaluated: 2023-02-02. Review status: criteria provided, single submitter. Criteria: Invitae Variant Classification Sherloc (09022015). Collection method: clinical testing. Allele origin: germline.
Comment: ClinVar contains an entry for this variant (Variation ID: 449240). In summary, the available evidence is currently insufficient to determine the role of this variant in disease. Therefore, it has been classified as a Variant of Uncertain Significance. This variant has not been reported in the literature in individuals affected with PCNT-related conditions. This variant is not present in population databases (gnomAD no frequency). This variant, c.467_583dup, results in the insertion of 39 amino acid(s) of the PCNT protein (p.His156_Gln194dup), but otherwise preserves the integrity of the reading frame.

GeneDx
Classification: Uncertain significance. Last evaluated: 2015-08-28. Review status: criteria provided, single submitter. Criteria: GeneDx Variant Classification (06012015). Collection method: clinical testing. Allele origin: germline. Affected: yes.
Comment: The c.467_583dup117 and c.467_505del39 variants of unknown significance have been identified in the PCNT gene and occur on opposite chromosomes (in trans). The c.467_583dup117 variant has not been published as a pathogenic variant, nor has it been reported as a benign polymorphism to our knowledge. It was not observed in approximately 6,500 individuals of European and African American ancestry in the NHLBI Exome Sequencing Project, indicating it is not a common benign variant in these populations. The c.467_583dup117 variant results in an in-frame duplication of 39 amino acids, denoted p.His156_Gln194dup and is not expected to result in protein truncation or nonsense-medicated mRNA decay. Additionally, this duplication occurs at a position that is not conserved. Therefore, based on the currently available information, it is unclear whether this variant is a pathogenic variant or a rare benign variant.

NM_006031.6(PCNT):c.467_583dup (p.His156_Gln194dup)

Gene: PCNT (pericentrin; plus strand). Cytogenetic location: 21q22.3.
Variant type: Duplication.
Coding change: c.467_583dup on transcript NM_006031.6 (MANE Select); coding-DNA positions 467 to 583, 117 bases duplicated.
Protein change: p.His156_Gln194dup.
Molecular consequence: inframe insertion.
Genome position (GRCh38, 1-based): chr21:46,334,596-46,334,712, 117 bases duplicated. GRCh37 (hg19): chr21:47,754,510-47,754,626.
Other names: c.467_583dupATGGGATGTTCACAGTCAGTGACCACCCACCAGAACAGCGTGGGATGTTCACAATCAGTGACCACCAACCGGAACAGCGTGGGATGTTCACAGTCAGTGACCACACACCAGAACAGC (NM_006031.5); c.113_229dup, p.His38_Gln76dup (NM_001315529.2).
Identifiers: ClinVar variation 449240 (VCV000449240.5), dbSNP rs1555945598, ClinGen allele CA658658902.